The following is an entry in ClinVar:

ClinVar aggregate classification (germline): Uncertain significance (1 of 4 stars; one submission).

Conditions:
Inborn genetic diseases. Identifiers: MedGen C0950123, MeSH D030342.

Submission:

Ambry Genetics
Classification: Uncertain significance for Inborn genetic diseases. Last evaluated: 2025-11-13. Review status: criteria provided, single submitter. Criteria: Ambry Variant Classification Scheme 2023. Collection method: clinical testing. Allele origin: germline.
Comment: The p.K417E variant (also known as c.1249A>G), located in coding exon 10 of the CEP57 gene, results from an A to G substitution at nucleotide position 1249. The lysine at codon 417 is replaced by glutamic acid, an amino acid with similar properties. This amino acid position is conserved. In addition, the in silico prediction for this alteration is inconclusive. Based on the available evidence, the clinical significance of this variant remains unclear.

NM_014679.5(CEP57):c.1249A>G (p.Lys417Glu)

Gene: CEP57 (centrosomal protein 57; plus strand). Cytogenetic location: 11q21.
Variant type: single nucleotide variant.
Coding change: c.1249A>G on transcript NM_014679.5 (MANE Select); coding-DNA position 1249, A replaced by G.
Protein change: p.Lys417Glu; replaces lysine 417 with glutamic acid.
Molecular consequence: missense variant.
Genome position (GRCh38, 1-based): chr11:95,829,308, A>G. VCF-style: chr11-95829308-A-G. GRCh37 (hg19) VCF-style: chr11-95562472-A-G.
Other names: c.1222A>G, p.Lys408Glu (NM_001243776.2); c.1171A>G, p.Lys391Glu (NM_001243777.2); c.1168A>G, p.Lys390Glu (NM_001363604.2, NM_001440869.1, NM_001440870.1); c.1141A>G, p.Lys381Glu (NM_001440871.1); c.1132A>G, p.Lys378Glu (NM_001440872.1); c.1069A>G, p.Lys357Glu (NM_001440873.1); c.1063A>G, p.Lys355Glu (NM_001440874.1); c.1060A>G, p.Lys354Glu (NM_001440875.1); and 6 more; short protein forms K354E, K357E, K352E, K355E, K391E, K417E, K316E, K378E.
Identifiers: ClinVar variation 4613654 (VCV004613654.1).